The following is an entry in ClinVar:

NM_003036.4(SKI):c.2183C>G (p.Pro728Arg)

Gene: SKI (SKI proto-oncogene; plus strand). Cytogenetic location: 1p36.32.
Variant type: single nucleotide variant.
Coding change: c.2183C>G on transcript NM_003036.4 (MANE Select); coding-DNA position 2183, C replaced by G.
Protein change: p.Pro728Arg; replaces proline 728 with arginine.
Molecular consequence: missense variant.
Genome position (GRCh38, 1-based): chr1:2,306,761, C>G. VCF-style: chr1-2306761-C-G. GRCh37 (hg19) VCF-style: chr1-2238200-C-G.
Other names: short protein forms P728R.
Identifiers: ClinVar variation 3708557 (VCV003708557.2).

ClinVar aggregate classification (germline): Uncertain significance (1 of 4 stars; one submission).

Conditions:
Shprintzen-Goldberg syndrome (SGS). Also called: Marfanoid disorder with craniosynostosis type 1; Marfanoid craniosynostosis syndrome; Shprintzen-Goldberg marfanoid syndrome; SHPRINTZEN-GOLDBERG CRANIOSYNOSTOSIS SYNDROME; CRANIOSYNOSTOSIS WITH ARACHNODACTYLY AND ABDOMINAL HERNIAS. Identifiers: Orphanet 2462, MedGen C1321551, MONDO:0008426, OMIM 182212.

gnomAD v4.1: 3 of 1,513,638 alleles (0.0002%); highest among the groups gnomAD compares: Middle Eastern, 0.023%; no homozygotes.

Submission:

Labcorp Genetics (formerly Invitae), Labcorp
Classification: Uncertain significance for Shprintzen-Goldberg syndrome. Last evaluated: 2024-05-28. Review status: criteria provided, single submitter. Criteria: Invitae Variant Classification Sherloc (09022015). Collection method: clinical testing. Allele origin: germline.
Comment: This sequence change replaces proline, which is neutral and non-polar, with arginine, which is basic and polar, at codon 728 of the SKI protein (p.Pro728Arg). This variant is not present in population databases (gnomAD no frequency). This variant has not been reported in the literature in individuals affected with SKI-related conditions. Advanced modeling of protein sequence and biophysical properties (such as structural, functional, and spatial information, amino acid conservation, physicochemical variation, residue mobility, and thermodynamic stability) performed at Invitae indicates that this missense variant is not expected to disrupt SKI protein function with a negative predictive value of 95%. In summary, the available evidence is currently insufficient to determine the role of this variant in disease. Therefore, it has been classified as a Variant of Uncertain Significance.